The following is an entry in ClinVar:

NM_130384.3(ATRIP):c.93C>G (p.Ser31Arg)

Genes: ATRIP (ATR interacting protein; plus strand), ATRIP-TREX1 (ATRIP-TREX1 readthrough; plus strand), LOC129936703 (ATAC-STARR-seq lymphoblastoid silent region 14331; plus strand). Cytogenetic location: 3p21.31.
Variant type: single nucleotide variant.
Coding change: c.93C>G on transcript NM_130384.3 (MANE Select); coding-DNA position 93, C replaced by G.
Protein change: p.Ser31Arg; replaces serine 31 with arginine.
Molecular consequence: missense variant. On other transcripts: non-coding transcript variant (1), intron variant (1).
Genome position (GRCh38, 1-based): chr3:48,446,938, C>G. VCF-style: chr3-48446938-C-G. GRCh37 (hg19) VCF-style: chr3-48488342-C-G.
Other names: c.93C>G, p.Ser31Arg (NM_032166.4); c.-218+139C>G (NM_001271022.2); short protein forms S31R.
Identifiers: ClinVar variation 3465348 (VCV003465348.3).

ClinVar aggregate classification (germline): Uncertain significance. Review status: criteria provided, multiple submitters, no conflicts (2 of 4 stars). 2 submissions from 2 submitters: Uncertain significance (2). Last evaluated 2025-02-03.

gnomAD v4.1: 38 of 1,472,560 alleles (0.0026%); highest among the groups gnomAD compares: South Asian, 0.0097%; no homozygotes.

Submissions (2):

Labcorp Genetics (formerly Invitae), Labcorp
Classification: Uncertain significance. Last evaluated: 2025-02-03. Review status: criteria provided, single submitter. Criteria: Invitae Variant Classification Sherloc (09022015). Collection method: clinical testing. Allele origin: germline.
Comment: This sequence change replaces serine, which is neutral and polar, with arginine, which is basic and polar, at codon 31 of the ATRIP protein (p.Ser31Arg). This variant is present in population databases (rs545796791, gnomAD 0.1%), and has an allele count higher than expected for a pathogenic variant. This variant has not been reported in the literature in individuals affected with ATRIP-related conditions. ClinVar contains an entry for this variant (Variation ID: 3465348). An algorithm developed to predict the effect of missense changes on protein structure and function (PolyPhen-2) suggests that this variant is likely to be tolerated. In summary, the available evidence is currently insufficient to determine the role of this variant in disease. Therefore, it has been classified as a Variant of Uncertain Significance.

Ambry Genetics
Classification: Uncertain significance. Last evaluated: 2024-12-09. Review status: criteria provided, single submitter. Criteria: Ambry Variant Classification Scheme 2023. Collection method: clinical testing. Allele origin: germline.